The following is an entry in ClinVar:

ClinVar aggregate classification (germline): Uncertain significance. Review status: criteria provided, multiple submitters, no conflicts (2 of 4 stars). 2 submissions from 2 submitters: Uncertain significance (2). Last evaluated 2026-05-07.

Conditions:
Noonan syndrome 9 (NS9). Identifiers: Orphanet 648, MedGen C4225282, MONDO:0014691, OMIM 616559.

Allele frequency attached by ClinVar (database versions not stated): ExAC 0.00001.

Submissions (2):

Women's Health and Genetics/Laboratory Corporation of America, LabCorp
Classification: Uncertain significance. Last evaluated: 2026-05-07. Review status: criteria provided, single submitter. Criteria: LabCorp Variant Classification Summary - May 2015. Collection method: clinical testing. Allele origin: germline.
Comment: Variant summary: SOS2 c.2369A>G (p.Glu790Gly) results in a non-conservative amino acid change in the encoded protein sequence. Algorithms developed to predict the effect of missense changes on protein structure and function are either unavailable or do not agree on the potential impact of this missense change. The variant allele was found at a frequency of 4e-06 in 251078 control chromosomes. The available data on variant occurrences in the general population are insufficient to allow any conclusion about variant significance. To our knowledge, no occurrence of c.2369A>G in individuals affected with SOS2-related conditions and no experimental evidence demonstrating its impact on protein function have been reported. ClinVar contains an entry for this variant (Variation ID: 2764964). Based on the evidence outlined above, the variant was classified as uncertain significance.

Labcorp Genetics (formerly Invitae), Labcorp
Classification: Uncertain significance for Noonan syndrome 9. Last evaluated: 2023-10-04. Review status: criteria provided, single submitter. Criteria: Invitae Variant Classification Sherloc (09022015). Collection method: clinical testing. Allele origin: germline.
Comment: This sequence change replaces glutamic acid, which is acidic and polar, with glycine, which is neutral and non-polar, at codon 790 of the SOS2 protein (p.Glu790Gly). This variant is not present in population databases (gnomAD no frequency). This variant has not been reported in the literature in individuals affected with SOS2-related conditions. Advanced modeling of protein sequence and biophysical properties (such as structural, functional, and spatial information, amino acid conservation, physicochemical variation, residue mobility, and thermodynamic stability) performed at Invitae indicates that this missense variant is expected to disrupt SOS2 protein function. Algorithms developed to predict the effect of sequence changes on RNA splicing suggest that this variant may create or strengthen a splice site. In summary, the available evidence is currently insufficient to determine the role of this variant in disease. Therefore, it has been classified as a Variant of Uncertain Significance.

NM_006939.4(SOS2):c.2369A>G (p.Glu790Gly)

Gene: SOS2 (SOS Ras/Rho guanine nucleotide exchange factor 2; minus strand). Cytogenetic location: 14q21.3.
Variant type: single nucleotide variant.
Coding change: c.2369A>G on transcript NM_006939.4 (MANE Select); coding-DNA position 2369, A replaced by G.
Protein change: p.Glu790Gly; replaces glutamic acid 790 with glycine.
Molecular consequence: missense variant.
Genome position (GRCh38, 1-based): chr14:50,150,023, T>C on the plus strand (A>G on the coding strand, the complement: SOS2 is on the minus strand). VCF-style: chr14-50150023-T-C. GRCh37 (hg19) VCF-style: chr14-50616741-T-C.
Other names: c.2270A>G, p.Glu757Gly (NM_001411020.1); short protein forms E757G, E790G.
Identifiers: ClinVar variation 2764964 (VCV002764964.4), dbSNP rs774094426, ClinGen allele CA7177058.
Genomic context (GRCh38, chr14:50,150,023, plus strand): 5'-CAAGATTCTTAAAAATAAAGCAAGACATTAACATTAATTGTCTACCTGTAAAGATCAGAC[T>C]CCAAAAGTGTCAGCTGACGTGCAATTTCTATTGGATGAAGTGTCATGAGATCAAATGTTT-3'
Protein context (NP_008870.2, residues 780-800): IEIARQLTLL[Glu790Gly]SDLYRKVQPS